The following is an entry in ClinVar:

ClinVar aggregate classification (germline): Uncertain significance. Review status: criteria provided, multiple submitters, no conflicts (2 of 4 stars). 10 submissions from 10 submitters: Uncertain significance (10). Last evaluated 2026-10-01.

Conditions:
Ataxia-telangiectasia syndrome (AT). Also called: Ataxia telangiectasia (A-T); Cerebello-oculocutaneous telangiectasia; Immunodeficiency with ataxia telangiectasia; LOUIS-BAR SYNDROME; AT, COMPLEMENTATION GROUP C; ATAXIA-TELANGIECTASIA, FRESNO VARIANT. Identifiers: Orphanet 100, MedGen C0004135, MONDO:0008840, OMIM 208900.
Malignant tumor of breast. Also called: Malignant breast neoplasm; Cancer breast. Identifiers: MedGen C0006142, MONDO:0007254. Disease mechanism: loss of function.
ATM-related disorder. Also called: ATM-related disorders; ATM-related condition.
Hereditary cancer-predisposing syndrome. Also called: Neoplastic Syndromes, Hereditary; Hereditary neoplastic syndrome; Tumor predisposition; Hereditary Cancer Syndrome. Identifiers: Orphanet 140162, MedGen C0027672, MeSH D009386, MONDO:0015356.
Familial cancer of breast. Also called: hereditary breast carcinoma; Hereditary breast cancer; BREAST CANCER, FAMILIAL. Identifiers: Orphanet 227535, MedGen C0346153, MONDO:0016419, OMIM 114480. Disease mechanism: loss of function.

Allele frequency attached by ClinVar (database versions not stated): gnomAD exomes 0.00002 and 0.00001; gnomAD 0.00018 and 0.00019; ExAC 0.00003; TOPMed 0.00014; ESP Exome Variant Server 0.00015.
gnomAD v4.1: 49 of 1,612,730 alleles (0.003%); highest among the groups gnomAD compares: African/African-American, 0.056%; no homozygotes.

Submissions (10):

St. Jude Molecular Pathology, St. Jude Children's Research Hospital
Classification: Uncertain significance for Ataxia-telangiectasia syndrome. Last evaluated: 2026-10-01. Review status: criteria provided, single submitter. Criteria: St. Jude Assertion Criteria 2020. Collection method: clinical testing. Allele origin: germline.
Comment: The ATM c.7516A>G p.(Arg2506Gly) missense change has a maximum subpopulation frequency of 0.06% in gnomAD v2.1.1. The in silico tool REVEL predicts a benign effect on protein function, but to our knowledge this prediction has not been confirmed by functional studies. To our knowledge, this variant has not been reported in individu als with ataxia telangiectasia. In summary, the evidence currently available is insufficient to determine the clinical significance of this variant. It has therefore been classified as of uncertain significance.

PreventionGenetics, part of Exact Sciences
Classification: Uncertain significance for ATM-related condition. Last evaluated: 2026-05-02. Review status: criteria provided, single submitter. Criteria: ACMG Guidelines, 2015. Collection method: clinical testing. Allele origin: germline.
Comment: The ATM c.7516A>G variant is predicted to result in the amino acid substitution p.Arg2506Gly. This variant has been reported in an individual with a family history of breast cancer (Supplemental Table S3, de Oliveira et al. 2022. PubMed ID: 35534704). This variant is reported in 0.060% of alleles in individuals of African descent in gnomAD and is interpreted as uncertain in ClinVar (Variation ID: 236775). Although we suspect that this variant may be benign, at this time, the clinical significance of this variant is uncertain due to the absence of conclusive functional and genetic evidence.

Labcorp Genetics (formerly Invitae), Labcorp
Classification: Uncertain significance for Ataxia-telangiectasia syndrome. Last evaluated: 2026-01-14. Review status: criteria provided, single submitter. Criteria: Invitae Variant Classification Sherloc (09022015). Collection method: clinical testing. Allele origin: germline.
Comment: This sequence change replaces arginine, which is basic and polar, with glycine, which is neutral and non-polar, at codon 2506 of the ATM protein (p.Arg2506Gly). This variant is present in population databases (rs200441272, gnomAD 0.06%). This missense change has been observed in individual(s) with a family history of breast cancer (PMID: 35534704). ClinVar contains an entry for this variant (Variation ID: 236775). An algorithm developed to predict the effect of missense changes on protein structure and function (PolyPhen-2) suggests that this variant is likely to be tolerated. RNA analysis performed to evaluate the impact of this missense change on mRNA splicing indicates it does not significantly alter splicing (internal data). In summary, the available evidence is currently insufficient to determine the role of this variant in disease. Therefore, it has been classified as a Variant of Uncertain Significance.

Quest Diagnostics Nichols Institute San Juan Capistrano
Classification: Uncertain significance. Last evaluated: 2025-10-21. Review status: criteria provided, single submitter. Criteria: Quest Diagnostics criteria. Collection method: clinical testing. Allele origin: unknown.

Color Diagnostics, LLC DBA Color Health
Classification: Uncertain significance for Hereditary cancer-predisposing syndrome. Last evaluated: 2024-11-14. Review status: criteria provided, single submitter. Criteria: ACMG Guidelines, 2015. Collection method: clinical testing. Allele origin: germline.
Comment: This missense variant replaces arginine with glycine at codon 2506 of the ATM protein. Computational prediction suggests that this variant may not impact protein structure and function. To our knowledge, functional studies have not been reported for this variant. This variant has not been reported in individuals affected with ATM-related disorders in the literature. This variant has been identified in 17/281938 chromosomes in the general population by the Genome Aggregation Database (gnomAD). The available evidence is insufficient to determine the role of this variant in disease conclusively. Therefore, this variant is classified as a Variant of Uncertain Significance.

Women's Health and Genetics/Laboratory Corporation of America, LabCorp
Classification: Uncertain significance. Last evaluated: 2024-10-07. Review status: criteria provided, single submitter. Criteria: LabCorp Variant Classification Summary - May 2015. Collection method: clinical testing. Allele origin: germline.
Comment: Variant summary: ATM c.7516A>G (p.Arg2506Gly) results in a non-conservative amino acid change located in the PIK-related kinase domain (IPR014009) of the encoded protein sequence. Four of five in-silico tools predict a benign effect of the variant on protein function. Several computational tools predict a significant impact on normal splicing: Two predict the variant creates a 5' donor site. One predict the variant strengthens a cryptic 5' donor site. Three predict the variant strengthens a 3' acceptor site. However, these predictions have yet to be confirmed by functional studies. The variant allele was found at a frequency of 3e-05 in 1612730 control chromosomes. This frequency is not significantly higher than estimated for a pathogenic variant in ATM causing Breast Cancer (3e-05 vs 0.001), allowing no conclusion about variant significance. Additionally, this variant was carried by 2 individuals in the FLOSSIES database (individuals >70 years of age with no personal history of cancer). To our knowledge, no occurrence of c.7516A>G in individuals affected with ATM-related conditions and no experimental evidence demonstrating its impact on protein function have been reported. ClinVar contains an entry for this variant (Variation ID: 236775). Based on the evidence outlined above, the variant was classified as uncertain significance.

GeneDx
Classification: Uncertain significance. Last evaluated: 2024-05-09. Review status: criteria provided, single submitter. Criteria: GeneDx Variant Classification Process June 2021. Collection method: clinical testing. Allele origin: germline. Affected: yes.
Comment: In silico analysis indicates that this missense variant does not alter protein structure/function; Reported in a patient with a family history of breast cancer (PMID: 35534704); This variant is associated with the following publications: (PMID: 23532176, 35534704)

Baylor Genetics
Classification: Uncertain significance for Familial cancer of breast. Last evaluated: 2024-03-17. Review status: criteria provided, single submitter. Criteria: ACMG Guidelines, 2015. Collection method: clinical testing. Allele origin: unknown.

Ambry Genetics
Classification: Uncertain significance for Hereditary cancer-predisposing syndrome. Last evaluated: 2024-03-13. Review status: criteria provided, single submitter. Criteria: Ambry Variant Classification Scheme 2023. Collection method: clinical testing. Allele origin: germline.
Comment: The p.R2506G variant (also known as c.7516A>G), located in coding exon 50 of the ATM gene, results from a A to G substitution at nucleotide position 7516. This variant impacts the first base pair of coding exon 50. The arginine at codon 2506 is replaced by glycine, an amino acid with dissimilar properties. This amino acid position is not well conserved in available vertebrate species. In addition, this alteration is predicted to be tolerated by in silico analysis. Based on the available evidence, the clinical significance of this alteration remains unclear.

Sema4
Classification: Uncertain significance for Hereditary cancer-predisposing syndrome. Last evaluated: 2021-12-09. Review status: criteria provided, single submitter. Criteria: Sema4 Curation Guidelines. Collection method: curation. Allele origin: germline.
Comment: The ATM c.7516A>G (p.R2506G) variant has not been reported in the literature to our knowledge. It was observed in 15/24810 chromosomes of the African/ African American subpopulation in the large and broad cohorts of the Genome Aggregation Database (PMID: 32461654). This variant has been reported in ClinVar (Variation ID 236775). Functional studies have not been performed, and in silico predictions of the variant's effect on protein function are inconclusive. The overall evidence is insufficient to meet ACMG/AMP criteria for classifying it as benign or pathogenic. In summary, the clinical significance of this variant is currently uncertain.

Literature cited by the submitters: PubMed 35534704 (cited by Labcorp Genetics (formerly Invitae), Labcorp).

NM_000051.4(ATM):c.7516A>G (p.Arg2506Gly)

Genes: ATM (ATM serine/threonine kinase; plus strand), C11orf65 (chromosome 11 open reading frame 65; minus strand). Cytogenetic location: 11q22.3.
Variant type: single nucleotide variant.
Coding change: c.7516A>G on transcript NM_000051.4 (MANE Select); coding-DNA position 7516, A replaced by G.
Protein change: p.Arg2506Gly; replaces arginine 2506 with glycine.
Molecular consequence: missense variant. On other transcripts: non-coding transcript variant (1), intron variant (2).
Genome position (GRCh38, 1-based): chr11:108,331,444, A>G. VCF-style: chr11-108331444-A-G. GRCh37 (hg19) VCF-style: chr11-108202171-A-G.
Other names: c.7516A>G, p.Arg2506Gly (NM_001351834.2); c.641-22373T>C (NM_001330368.2); c.*38+3776T>C (NM_001351110.2); short protein forms R2506G.
Identifiers: ClinVar variation 236775 (VCV000236775.35), dbSNP rs200441272, ClinGen allele CA6266135.
Genomic context (GRCh38, chr11:108,331,444, plus strand): 5'-AGATGTGAGAATATTTGAAATACCTTGTTTCTTAATTTTGTGTCTTTTTTTTAATGGTAG[A>G]GAGACGGAATGAAGATTCCAACATATAAATTTTTGCCTCTTATGTACCAATTGGCTGCTA-3'
Protein context (NP_000042.3, residues 2496-2516): GVSEVNGMMK[Arg2506Gly]DGMKIPTYKF